The following is an entry in ClinVar:

ClinVar aggregate classification (germline): Likely benign (1 of 4 stars; one submission).

Submission:

Laboratory for Molecular Medicine, Mass General Brigham Personalized Medicine
Classification: Likely benign. Last evaluated: 2019-02-14. Review status: criteria provided, single submitter. Criteria: LMM Criteria. Collection method: clinical testing. Allele origin: germline. Observed: 1 variant allele.
Comment: The p.Arg32Arg variant in POU4F3 is classified as likely benign because it does not alter an amino acid residue, it is not located within the splice consensus sequence, and splice prediction algorithms do not predict a newly created splice site. ACMG/AMP Criteria applied: BP4, BP7.

NM_002700.3(POU4F3):c.96C>A (p.Arg32=)

Genes: POU4F3 (POU class 4 homeobox 3; plus strand), LOC127814297 (RBM27-POU4F3; plus strand). Cytogenetic location: 5q32.
Variant type: single nucleotide variant.
Coding change: c.96C>A on transcript NM_002700.3 (MANE Select); coding-DNA position 96, C replaced by A.
Protein change: p.Arg32=; no amino-acid change (arginine 32 retained).
Molecular consequence: synonymous variant.
Genome position (GRCh38, 1-based): chr5:146,339,208, C>A. VCF-style: chr5-146339208-C-A. GRCh37 (hg19) VCF-style: chr5-145718771-C-A.
Identifiers: ClinVar variation 667156 (VCV000667156.5), dbSNP rs1386856370, ClinGen allele CA361619297.